The following is an entry in ClinVar:

ClinVar aggregate classification (germline): Uncertain significance. Review status: criteria provided, multiple submitters, no conflicts (2 of 4 stars). 2 submissions from 2 submitters: Uncertain significance (2). Last evaluated 2024-04-27.

Conditions:
Cardiovascular phenotype. Identifiers: MedGen CN230736.

gnomAD v4.1: 14 of 1,614,154 alleles (0.00087%); highest among the groups gnomAD compares: East Asian, 0.0022%; no homozygotes.

Submissions (2):

Ambry Genetics
Classification: Uncertain significance for Cardiovascular phenotype. Last evaluated: 2024-04-27. Review status: criteria provided, single submitter. Criteria: Ambry Variant Classification Scheme 2023. Collection method: clinical testing. Allele origin: germline.
Comment: The p.A130E variant (also known as c.389C>A), located in coding exon 3 of the SCN3B gene, results from a C to A substitution at nucleotide position 389. The alanine at codon 130 is replaced by glutamic acid, an amino acid with dissimilar properties. This amino acid position is conserved. In addition, this alteration is predicted to be tolerated by in silico analysis. Based on the available evidence, the clinical significance of this variant remains unclear.

GeneDx
Classification: Uncertain significance. Last evaluated: 2021-06-09. Review status: criteria provided, single submitter. Criteria: GeneDx Variant Classification Process June 2021. Collection method: clinical testing. Allele origin: germline. Affected: yes.
Comment: Has not been previously published as pathogenic or benign to our knowledge; Not observed at significant frequency in large population cohorts (Lek et al., 2016); In silico analysis supports that this missense variant does not alter protein structure/function; This variant is associated with the following publications: (PMID: 27535533)

NM_001040151.2(SCN3B):c.389C>A (p.Ala130Glu)

Gene: SCN3B (sodium voltage-gated channel beta subunit 3; minus strand). Cytogenetic location: 11q24.1.
Variant type: single nucleotide variant.
Coding change: c.389C>A on transcript NM_001040151.2 (MANE Select); coding-DNA position 389, C replaced by A.
Protein change: p.Ala130Glu; replaces alanine 130 with glutamic acid.
Molecular consequence: missense variant.
Genome position (GRCh38, 1-based): chr11:123,642,502, G>T on the plus strand (C>A on the coding strand, the complement: SCN3B is on the minus strand). VCF-style: chr11-123642502-G-T. GRCh37 (hg19) VCF-style: chr11-123513210-G-T.
Other names: c.389C>A, p.Ala130Glu (NM_018400.4); short protein forms A130E.
Identifiers: ClinVar variation 1328589 (VCV001328589.5), dbSNP rs587777556, ClinGen allele CA229983987.